The following is an entry in ClinVar:

NM_001142800.2(EYS):c.4761del (p.Phe1586_Trp1587insTer)

Gene: EYS (EGF-like photoreceptor maintenance factor; minus strand). Cytogenetic location: 6q12.
Variant type: Deletion.
Coding change: c.4761del on transcript NM_001142800.2 (MANE Select); coding-DNA position 4761, one base deleted (G; older notation c.4761delG).
Protein change: p.Phe1586_Trp1587insTer.
Molecular consequence: nonsense.
Genome position (GRCh38, 1-based): chr6:64,591,106, C deleted on the plus strand (G on the coding strand, the reverse complement: EYS is on the minus strand); the first of 2 consecutive C bases (chr6:64,591,106-64,591,107); deleting either gives the same sequence. VCF-style (leftmost placement, unchanged base first): chr6-64591105-TC-T. GRCh37 (hg19) VCF-style: chr6-65300998-TC-T.
Other names: c.4761del, p.Phe1586_Trp1587insTer (NM_001292009.2).
Identifiers: ClinVar variation 2811284 (VCV002811284.3), dbSNP rs2533152184, ClinGen allele CA2739273168.

ClinVar aggregate classification (germline): Pathogenic (1 of 4 stars; one submission).

Submission:

Labcorp Genetics (formerly Invitae), Labcorp
Classification: Pathogenic. Last evaluated: 2023-01-13. Review status: criteria provided, single submitter. Criteria: Invitae Variant Classification Sherloc (09022015). Collection method: clinical testing. Allele origin: germline.
Comment: This variant has not been reported in the literature in individuals affected with EYS-related conditions. For these reasons, this variant has been classified as Pathogenic. This variant is not present in population databases (gnomAD no frequency). This sequence change creates a premature translational stop signal (p.Trp1587*) in the EYS gene. It is expected to result in an absent or disrupted protein product. Loss-of-function variants in EYS are known to be pathogenic (PMID: 18836446, 20333770).

Literature cited by the submitters: PubMed 18836446; PubMed 20333770.